The following is an entry in ClinVar:

ClinVar aggregate classification (germline): Benign (1 of 4 stars; one submission).

Conditions:
Neonatal diabetes mellitus with congenital hypothyroidism. Also called: NDH SYNDROME. Identifiers: Orphanet 79118, MedGen C1857775, MONDO:0012436, OMIM 610199.

Allele frequency attached by ClinVar (database versions not stated): gnomAD 0.03830 and 0.04107; TOPMed 0.04333; 1000 Genomes Project 30x 0.06012; 1000 Genomes Project 0.06190.

Submission:

Illumina Laboratory Services, Illumina
Classification: Benign for Neonatal diabetes mellitus with congenital hypothyroidism. Last evaluated: 2018-01-13. Review status: criteria provided, single submitter. Criteria: ICSL Variant Classification Criteria 13 December 2019. Collection method: clinical testing. Allele origin: germline.
Comment: This variant was observed in the ICSL laboratory as part of a predisposition screen in an ostensibly healthy population. It had not been previously curated by ICSL or reported in the Human Gene Mutation Database (HGMD: prior to June 1st, 2018), and was therefore a candidate for classification through an automated scoring system. Utilizing variant allele frequency, disease prevalence and penetrance estimates, and inheritance mode, an automated score was calculated to assess if this variant is too frequent to cause the disease. Based on the score and internal cut-off values, a variant classified as benign is not then subjected to further curation. The score for this variant resulted in a classification of benign for this disease.

NM_001042413.2(GLIS3):c.*2944T>C

Gene: GLIS3 (GLIS family zinc finger 3; minus strand). Cytogenetic location: 9p24.2.
Variant type: single nucleotide variant.
Coding change: c.*2944T>C on transcript NM_001042413.2 (MANE Select); 2944 bases downstream of the stop codon, T replaced by C.
Molecular consequence: 3 prime UTR variant.
Genome position (GRCh38, 1-based): chr9:3,825,328, A>G on the plus strand (T>C on the coding strand, the complement: GLIS3 is on the minus strand). VCF-style: chr9-3825328-A-G. GRCh37 (hg19) VCF-style: chr9-3825328-A-G.
Other names: c.*2944T>C (NM_152629.4).
Identifiers: ClinVar variation 366902 (VCV000366902.5), dbSNP rs2297324, ClinGen allele CA10627342.
Genomic context (GRCh38, chr9:3,825,328, plus strand): 5'-TAATTTGAGGGCGACATGGGTAATGGGAGATACCCCACAGGACCTGTAAATATTTAAATA[A>G]TATTTAACAGCTGATCAGAGGCTAAATTACAACTGACATTTTGATGCAGTTTCGTTAGGG-3'